The following is an entry in ClinVar:

ClinVar aggregate classification (germline): Likely benign. Review status: reviewed by expert panel (3 of 4 stars). 3 submissions from 2 submitters: Likely benign (1). 2 of the submissions do not count toward it. Last evaluated 2026-02-04.

Conditions:
Glaucoma. Identifiers: MedGen C0017601, MONDO:0005041, HP:0000501.
Glaucoma 1, open angle, A (GLC1A). Also called: Glaucoma, Dominant (Juvenile Onset). Identifiers: Orphanet 98977, MedGen C1842028, MONDO:0007664, OMIM 137750.
Open-angle glaucoma. Identifiers: MedGen C0017612, MONDO:0005338, HP:0012108.

Allele frequency attached by ClinVar (database versions not stated): TOPMed 0.00002.
gnomAD v4.1: 45 of 1,613,914 alleles (0.0028%); highest among the groups gnomAD compares: South Asian, 0.022%; 1 homozygote.

Submissions (3):

ClinGen Glaucoma Variant Curation Expert Panel
Classification: Likely benign for Open-angle glaucoma. Last evaluated: 2026-02-04. Review status: reviewed by expert panel. Criteria: ClinGen Glaucoma ACMG Specifications V2.0.0 Approved. Collection method: curation. Allele origin: germline. Inheritance: Autosomal dominant inheritance.
Comment: The c.612G>A variant in MYOC is a synonymous variant (p.Thr204=). The highest minor allele frequency of this variant was in the South Asian genetic ancestry group of gnomAD (v4.1.0) = 0.0002196 (20 alleles out of 91,082), which did not meet the PM2_Supporting allele frequency threshold (≤ 0.0001) or the BS1 allele frequency threshold (≥ 0.001). The SpliceAI score = 0.03, which met the ≤ 0.1 threshold for BP4, suggesting that the variant does not impact MYOC function. This synonymous variant meets BP4, so BP7 is met. The Thr204= protein had similar solubility and secretion levels compared to wild type myocilin protein in this study (PMIDs: 35196929). The assays met the OddsPath threshold for BS3_Moderate (< 0.23), indicating that this variant did not impact protein function. This variant was identified in laboratory based testing, but has not yet been found in a proband with juvenile or primary open angle glaucoma. Additionally, as PM2_Supporting was not met, PS4 did not apply. In summary, this variant met the criteria to receive a score of -4 and to be classified as likely benign (likely benign classification range -2 to -6, adapted from PMID: 32720330) for primary open angle glaucoma based on the ACMG/AMP criteria met, as specified by the ClinGen Glaucoma VCEP (v2.0.0, 5 Dec 2024): BS3_Moderate, BP4, BP7

Illumina Laboratory Services, Illumina
Classification: Uncertain significance for Glaucoma. Last evaluated: 2017-09-11. Review status: criteria provided, single submitter. Criteria: ICSL Variant Classification Criteria 13 December 2019. Collection method: clinical testing. Allele origin: germline. Not counted in ClinVar's aggregate classification.

Illumina Laboratory Services, Illumina
Classification: Uncertain significance for Glaucoma 1, open angle, A. Last evaluated: 2017-09-11. Review status: criteria provided, single submitter. Criteria: ICSL Variant Classification Criteria 13 December 2019. Collection method: clinical testing. Allele origin: germline. Not counted in ClinVar's aggregate classification.

Literature cited by the submitters: PubMed 35196929 (cited by ClinGen Glaucoma Variant Curation Expert Panel).

NM_000261.2(MYOC):c.612G>A (p.Thr204=)

Gene: MYOC (myocilin; minus strand). Cytogenetic location: 1q24.3.
Variant type: single nucleotide variant.
Coding change: c.612G>A on transcript NM_000261.2 (MANE Select); coding-DNA position 612, G replaced by A.
Protein change: p.Thr204=; no amino-acid change (threonine 204 retained).
Molecular consequence: synonymous variant.
Genome position (GRCh38, 1-based): chr1:171,638,715, C>T on the plus strand (G>A on the coding strand, the complement: MYOC is on the minus strand). VCF-style: chr1-171638715-C-T. GRCh37 (hg19) VCF-style: chr1-171607855-C-T.
Other names: NM_000261.2(MYOC):c.612G>A; p.Thr204=.
Identifiers: ClinVar variation 876021 (VCV000876021.7), dbSNP rs57824969, ClinGen allele CA1244213.